The following is an entry in ClinVar:

ClinVar aggregate classification (germline): Benign/Likely benign. Review status: criteria provided, multiple submitters, no conflicts (2 of 4 stars). 8 submissions from 7 submitters: Benign (4); Likely benign (4). Last evaluated 2026-09-01.

Conditions:
Lethal Kniest-like syndrome (DDSH). Also called: Dyssegmental Dysplasia. Identifiers: Orphanet 1865, MedGen C1857100, MONDO:0009140, OMIM 224410.
Schwartz-Jampel syndrome. Also called: Myotonic myopathy dwarfism chondrodystrophy and ocular and facial abnormalities. Identifiers: Orphanet 800, MedGen C0036391, MONDO:0009717.

Allele frequency attached by ClinVar (database versions not stated): ESP Exome Variant Server 0.00015; gnomAD 0.00070 and 0.00085; TOPMed 0.00104; gnomAD exomes 0.00229; 1000 Genomes Project 30x 0.00281; ExAC 0.00283; 1000 Genomes Project 0.00339.
gnomAD v4.1: 1,303 of 1,567,342 alleles (0.083%); highest among the groups gnomAD compares: East Asian, 1.3%; 16 homozygotes.

Submissions (12):

CeGaT Center for Human Genetics Tuebingen
Classification: Likely benign. Last evaluated: 2026-09-01. Review status: criteria provided, single submitter. Criteria: CeGaT Center For Human Genetics Tuebingen Variant Classification Criteria Version 2. Collection method: clinical testing. Allele origin: germline. Affected: yes. Observed: 3 variant alleles.
Comment: HSPG2: BP4

Labcorp Genetics (formerly Invitae), Labcorp
Classification: Benign. Last evaluated: 2026-01-15. Review status: criteria provided, single submitter. Criteria: Invitae Variant Classification Sherloc (09022015). Collection method: clinical testing. Allele origin: germline.

Athena Diagnostics
Classification: Benign. Last evaluated: 2025-10-23. Review status: criteria provided, single submitter. Criteria: Athena Diagnostics Criteria. Collection method: clinical testing. Allele origin: unknown.
Comment: The frequency of this variant in the general population is higher than would generally be expected for pathogenic variants in this gene.

Blueprint Genetics
Classification: Likely benign. Last evaluated: 2024-09-09. Review status: criteria provided, single submitter. Criteria: ACMG Guidelines, 2015. Collection method: clinical testing. Allele origin: germline.

ARUP Laboratories, Molecular Genetics and Genomics, ARUP Laboratories
Classification: Likely benign. Last evaluated: 2023-11-22. Review status: criteria provided, single submitter. Criteria: ARUP Molecular Germline Variant Investigation Process 2024. Collection method: clinical testing. Allele origin: germline.

Illumina Laboratory Services, Illumina
Classification: Benign for Schwartz-Jampel syndrome type 1. Last evaluated: 2018-01-12. Review status: criteria provided, single submitter. Criteria: ICSL Variant Classification Criteria 13 December 2019. Collection method: clinical testing. Allele origin: germline.
Comment: This variant was observed in the ICSL laboratory as part of a predisposition screen in an ostensibly healthy population. It had not been previously curated by ICSL or reported in the Human Gene Mutation Database (HGMD: prior to June 1st, 2018), and was therefore a candidate for classification through an automated scoring system. Utilizing variant allele frequency, disease prevalence and penetrance estimates, and inheritance mode, an automated score was calculated to assess if this variant is too frequent to cause the disease. Based on the score and internal cut-off values, a variant classified as benign is not then subjected to further curation. The score for this variant resulted in a classification of benign for this disease.

Illumina Laboratory Services, Illumina
Classification: Benign for Lethal Kniest-like syndrome. Last evaluated: 2018-01-12. Review status: criteria provided, single submitter. Criteria: ICSL Variant Classification Criteria 13 December 2019. Collection method: clinical testing. Allele origin: germline.
Comment: the same text as in the submission from Illumina Laboratory Services, Illumina above.

GeneDx
Classification: Likely benign. Last evaluated: 2016-03-11. Review status: criteria provided, single submitter. Criteria: GeneDx Variant Classification (06012015). Collection method: clinical testing. Allele origin: germline. Affected: yes.
Comment: This variant is considered likely benign or benign based on one or more of the following criteria: it is a conservative change, it occurs at a poorly conserved position in the protein, it is predicted to be benign by multiple in silico algorithms, and/or has population frequency not consistent with disease.

Dr. Peter K. Rogan Lab, Western University
No classification provided (evidence only). Condition: Cervical cancer. Review status: no classification provided. Collection method: in vitro. Allele origin: not applicable. Functional consequence: skipped exon. Not counted in ClinVar's aggregate classification.

Dr. Peter K. Rogan Lab, Western University
No classification provided (evidence only). Condition: Sarcoma. Review status: no classification provided. Collection method: in vitro. Allele origin: not applicable. Functional consequence: skipped exon. Not counted in ClinVar's aggregate classification.

Dr. Peter K. Rogan Lab, Western University
No classification provided (evidence only). Condition: Gastric cancer. Review status: no classification provided. Collection method: in vitro. Allele origin: not applicable. Functional consequence: retained intron. Not counted in ClinVar's aggregate classification.

Dr. Peter K. Rogan Lab, Western University
No classification provided (evidence only). Condition: Hepatocellular carcinoma. Review status: no classification provided. Collection method: in vitro. Allele origin: not applicable. Functional consequence: retained intron. Not counted in ClinVar's aggregate classification.

Literature cited by the submitters: PubMed 29901129 (cited by Athena Diagnostics).

NM_005529.7(HSPG2):c.11671+5G>A

Gene: HSPG2 (heparan sulfate proteoglycan 2; minus strand). Cytogenetic location: 1p36.12.
Variant type: single nucleotide variant.
Coding change: c.11671+5G>A on transcript NM_005529.7 (MANE Select); 5 bases into the intron after coding-DNA position 11671, G replaced by A.
Molecular consequence: intron variant.
Genome position (GRCh38, 1-based): chr1:21,830,977, C>T on the plus strand (G>A on the coding strand, the complement: HSPG2 is on the minus strand). VCF-style: chr1-21830977-C-T. GRCh37 (hg19) VCF-style: chr1-22157470-C-T.
Other names: c.11674+5G>A (NM_001291860.2).
Identifiers: ClinVar variation 295714 (VCV000295714.23), dbSNP rs77527456, ClinGen allele CA669694.
Genomic context (GRCh38, chr1:21,830,977, plus strand): 5'-TGGGGAGGCAGCAAAGGGAAGAGGCAGGCCCTGGGGCGACAGCGACTGGCGGTCGGGGTG[C>T]GTACCTGGATGGCAGTGCAGGGCCTGCGAGTGCTCACAGCGGCTCCCGGTGAAGCCAGCT-3'